The following is an entry in ClinVar:

ClinVar aggregate classification (germline): Uncertain significance. Review status: criteria provided, multiple submitters, no conflicts (2 of 4 stars). 3 submissions from 3 submitters: Uncertain significance (3). Last evaluated 2022-04-03.

Conditions:
Intrauterine growth retardation, metaphyseal dysplasia, adrenal hypoplasia congenita, genital anomalies, and immunodeficiency. Also called: IMAGEI SYNDROME. Identifiers: MedGen C5193036, MONDO:0032684, OMIM 618336.
Facial dysmorphism-immunodeficiency-livedo-short stature syndrome. Also called: Facial dysmorphism, immunodeficiency, livedo, and short stature; FILS syndrome. Identifiers: Orphanet 352712, MedGen C3554576, MONDO:0014058, OMIM 615139.
Colorectal cancer, susceptibility to, 12 (CRCS12). Also called: COLORECTAL CANCER, SUSCEPTIBILITY TO, ON CHROMOSOME 12q24. Identifiers: Orphanet 220460, MedGen C3554460, MONDO:0014038, OMIM 615083.
Hereditary cancer-predisposing syndrome. Also called: Hereditary neoplastic syndrome; Neoplastic Syndromes, Hereditary; Tumor predisposition; Hereditary Cancer Syndrome. Identifiers: Orphanet 140162, MedGen C0027672, MeSH D009386, MONDO:0015356.

gnomAD v4.1: 1 of 1,613,830 alleles (0.000062%); highest among the groups gnomAD compares: Non-Finnish European, 0.000085%; no homozygotes.

Submissions (3):

Ambry Genetics
Classification: Uncertain significance for Hereditary cancer-predisposing syndrome. Last evaluated: 2022-04-03. Review status: criteria provided, single submitter. Criteria: Ambry Variant Classification Scheme 2023. Collection method: clinical testing. Allele origin: germline.
Comment: The p.I1925L variant (also known as c.5773A>C), located in coding exon 42 of the POLE gene, results from an A to C substitution at nucleotide position 5773. The isoleucine at codon 1925 is replaced by leucine, an amino acid with highly similar properties. This amino acid position is conserved. In addition, this alteration is predicted to be tolerated by in silico analysis. Since supporting evidence is limited at this time, the clinical significance of this alteration remains unclear.

Department of Pathology and Laboratory Medicine, Sinai Health System
Classification: Uncertain significance for Colorectal cancer, susceptibility to, 12; Facial dysmorphism-immunodeficiency-livedo-short stature syndrome; Intrauterine growth retardation, metaphyseal dysplasia, adrenal hypoplasia congenita, genital anomalies, and immunodeficiency. Last evaluated: 2020-08-20. Review status: criteria provided, single submitter. Criteria: ACMG Guidelines, 2015. Collection method: clinical testing. Allele origin: germline. Affected: no.

Labcorp Genetics (formerly Invitae), Labcorp
Classification: Uncertain significance. Last evaluated: 2019-11-08. Review status: criteria provided, single submitter. Criteria: Invitae Variant Classification Sherloc (09022015). Collection method: clinical testing. Allele origin: germline.
Comment: This sequence change replaces isoleucine with leucine at codon 1925 of the POLE protein (p.Ile1925Leu). The isoleucine residue is moderately conserved and there is a small physicochemical difference between isoleucine and leucine. This variant is not present in population databases (ExAC no frequency). This variant has not been reported in the literature in individuals with POLE-related conditions. Algorithms developed to predict the effect of missense changes on protein structure and function are either unavailable or do not agree on the potential impact of this missense change (SIFT: "Tolerated"; PolyPhen-2: "Possibly Damaging"; Align-GVGD: "Class C0"). In summary, the available evidence is currently insufficient to determine the role of this variant in disease. Therefore, it has been classified as a Variant of Uncertain Significance.

NM_006231.4(POLE):c.5773A>C (p.Ile1925Leu)

Gene: POLE (DNA polymerase epsilon, catalytic subunit; minus strand). Cytogenetic location: 12q24.33.
Variant type: single nucleotide variant.
Coding change: c.5773A>C on transcript NM_006231.4 (MANE Select); coding-DNA position 5773, A replaced by C.
Protein change: p.Ile1925Leu; replaces isoleucine 1925 with leucine.
Molecular consequence: missense variant.
Genome position (GRCh38, 1-based): chr12:132,635,930, T>G on the plus strand (A>C on the coding strand, the complement: POLE is on the minus strand). VCF-style: chr12-132635930-T-G. GRCh37 (hg19) VCF-style: chr12-133212516-T-G.
Other names: short protein forms I1925L.
Identifiers: ClinVar variation 835964 (VCV000835964.13), dbSNP rs2042022859, ClinGen allele CA387372868.